The following is an entry in ClinVar:

NM_001366385.1(CARD14):c.1739T>C (p.Leu580Pro)

Gene: CARD14 (caspase recruitment domain family member 14; plus strand). Cytogenetic location: 17q25.3.
Variant type: single nucleotide variant.
Coding change: c.1739T>C on transcript NM_001366385.1 (MANE Select); coding-DNA position 1739, T replaced by C.
Protein change: p.Leu580Pro; replaces leucine 580 with proline.
Molecular consequence: missense variant. On other transcripts: non-coding transcript variant (1).
Genome position (GRCh38, 1-based): chr17:80,198,479, T>C. VCF-style: chr17-80198479-T-C. GRCh37 (hg19) VCF-style: chr17-78172278-T-C.
Other names: c.1739T>C (NM_024110.3); c.1739T>C, p.Leu580Pro (NM_001257970.1, NM_024110.4); c.1028T>C, p.Leu343Pro (NM_052819.3); short protein forms L343P, L580P.
Identifiers: ClinVar variation 1051648 (VCV001051648.9), dbSNP rs201897872, ClinGen allele CA8816970.

ClinVar aggregate classification (germline): Uncertain significance. Review status: criteria provided, multiple submitters, no conflicts (2 of 4 stars). 3 submissions from 3 submitters: Uncertain significance (3). Last evaluated 2025-11-25.

Conditions:
CARD14-related disorder. Also called: CARD14-related condition.
Inborn genetic diseases. Identifiers: MedGen C0950123, MeSH D030342.
Psoriasis 2. Identifiers: MedGen C1864497, MONDO:0011269, OMIM 602723.
Pityriasis rubra pilaris (PRP). Also called: Pityriasis rubra pilaris--familial type. Identifiers: Orphanet 2897, MedGen C0032027, MONDO:0100017, OMIM 173200, MONDO:0008251.

Allele frequency attached by ClinVar (database versions not stated): gnomAD exomes 0.00002 and 0.00006; ExAC 0.00003; gnomAD 0.00005 and 0.00007; TOPMed 0.00005; 1000 Genomes Project 0.00040; 1000 Genomes Project 30x 0.00047.
gnomAD v4.1: 39 of 1,613,366 alleles (0.0024%); highest among the groups gnomAD compares: Admixed American, 0.038%; no homozygotes.

Submissions (3):

Labcorp Genetics (formerly Invitae), Labcorp
Classification: Uncertain significance for Pityriasis rubra pilaris; Psoriasis 2. Last evaluated: 2025-11-25. Review status: criteria provided, single submitter. Criteria: Invitae Variant Classification Sherloc (09022015). Collection method: clinical testing. Allele origin: germline.
Comment: This sequence change replaces leucine, which is neutral and non-polar, with proline, which is neutral and non-polar, at codon 580 of the CARD14 protein (p.Leu580Pro). This variant is present in population databases (rs201897872, gnomAD 0.04%), and has an allele count higher than expected for a pathogenic variant. This variant has not been reported in the literature in individuals affected with CARD14-related conditions. ClinVar contains an entry for this variant (Variation ID: 1051648). Invitae Evidence Modeling of protein sequence and biophysical properties (such as structural, functional, and spatial information, amino acid conservation, physicochemical variation, residue mobility, and thermodynamic stability) has been performed for this missense variant. However, the output from this modeling did not meet the statistical confidence thresholds required to predict the impact of this variant on CARD14 protein function. In summary, the available evidence is currently insufficient to determine the role of this variant in disease. Therefore, it has been classified as a Variant of Uncertain Significance.

Ambry Genetics
Classification: Uncertain significance for Inborn genetic diseases. Last evaluated: 2025-04-14. Review status: criteria provided, single submitter. Criteria: Ambry Variant Classification Scheme 2023. Collection method: clinical testing. Allele origin: germline.

PreventionGenetics, part of Exact Sciences
Classification: Uncertain significance for CARD14-related condition. Last evaluated: 2024-12-23. Review status: criteria provided, single submitter. Criteria: ACMG Guidelines, 2015. Collection method: clinical testing. Allele origin: germline.
Comment: The CARD14 c.1739T>C variant is predicted to result in the amino acid substitution p.Leu580Pro. To our knowledge, this variant has not been reported in the literature. This variant is reported in 0.035% of alleles in individuals of Latino descent in gnomAD. At this time, the clinical significance of this variant is uncertain due to the absence of conclusive functional and genetic evidence.